The following is an entry in ClinVar:

NM_002206.3(ITGA7):c.7G>A (p.Gly3Arg)

Gene: ITGA7 (integrin subunit alpha 7; minus strand). Cytogenetic location: 12q13.2.
Variant type: single nucleotide variant.
Coding change: c.7G>A on transcript NM_002206.3 (MANE Select); coding-DNA position 7, G replaced by A.
Protein change: p.Gly3Arg; replaces glycine 3 with arginine.
Molecular consequence: missense variant. On other transcripts: 5 prime UTR variant (1), intron variant (3).
Genome position (GRCh38, 1-based): chr12:55,707,676, C>T on the plus strand (G>A on the coding strand, the complement: ITGA7 is on the minus strand). VCF-style: chr12-55707676-C-T. GRCh37 (hg19) VCF-style: chr12-56101460-C-T.
Other names: c.7G>A, p.Gly3Arg (NM_001144996.2, NM_001374465.1, NM_001410977.1 and 6 more transcripts); c.-1166G>A (NM_001367994.1); c.85+4387G>A (NM_001144997.2); c.-134+4387G>A (NM_001367993.1, NM_001414035.1); short protein forms G3R.
Identifiers: ClinVar variation 435534 (VCV000435534.17), dbSNP rs544939783, ClinGen allele CA6616481.

ClinVar aggregate classification (germline): Uncertain significance. Review status: criteria provided, multiple submitters, no conflicts (2 of 4 stars). 4 submissions from 4 submitters: Uncertain significance (4). Last evaluated 2025-08-07.

Conditions:
Congenital muscular dystrophy due to integrin alpha-7 deficiency. Also called: MYOPATHY, CONGENITAL, DUE TO INTEGRIN ALPHA-7 DEFICIENCY; Muscular dystrophy, congenital, due to ITGA7 deficiency; Congenital muscular dystrophy with integrin alpha-7 deficiency. Identifiers: Orphanet 34520, MedGen C2750786, MONDO:0013177, OMIM 613204.

Allele frequency attached by ClinVar (database versions not stated): ExAC below 0.00001; gnomAD 0.00001 and 0.00002; gnomAD exomes 0.00001; TOPMed 0.00001; 1000 Genomes Project 30x 0.00016; 1000 Genomes Project 0.00020.
gnomAD v4.1: 37 of 1,573,976 alleles (0.0024%); highest among the groups gnomAD compares: African/African-American, 0.028%; 1 homozygote.

Submissions (4):

Revvity Omics, Revvity
Classification: Uncertain significance for Congenital muscular dystrophy due to integrin alpha-7 deficiency. Last evaluated: 2025-08-07. Review status: criteria provided, single submitter. Criteria: ACMG Guidelines, 2015. Collection method: clinical testing. Allele origin: germline.

Labcorp Genetics (formerly Invitae), Labcorp
Classification: Uncertain significance for Congenital muscular dystrophy due to integrin alpha-7 deficiency. Last evaluated: 2022-08-23. Review status: criteria provided, single submitter. Criteria: Invitae Variant Classification Sherloc (09022015). Collection method: clinical testing. Allele origin: germline.
Comment: This sequence change replaces glycine, which is neutral and non-polar, with arginine, which is basic and polar, at codon 3 of the ITGA7 protein (p.Gly3Arg). This variant is not present in population databases (gnomAD no frequency). This variant has not been reported in the literature in individuals affected with ITGA7-related conditions. ClinVar contains an entry for this variant (Variation ID: 435534). Algorithms developed to predict the effect of missense changes on protein structure and function output the following: SIFT: "Tolerated"; PolyPhen-2: "Benign"; Align-GVGD: "Class C0". The arginine amino acid residue is found in multiple mammalian species, which suggests that this missense change does not adversely affect protein function. Algorithms developed to predict the effect of sequence changes on RNA splicing suggest that this variant may create or strengthen a splice site. In summary, the available evidence is currently insufficient to determine the role of this variant in disease. Therefore, it has been classified as a Variant of Uncertain Significance.

Ambry Genetics
Classification: Uncertain significance. Last evaluated: 2021-07-21. Review status: criteria provided, single submitter. Criteria: Ambry Variant Classification Scheme 2023. Collection method: clinical testing. Allele origin: germline.

Genetic Services Laboratory, University of Chicago
Classification: Uncertain significance. Last evaluated: 2016-09-02. Review status: criteria provided, single submitter. Criteria: ACMG Guidelines, 2015. Collection method: clinical testing. Allele origin: germline. Affected: no.